The following is an entry in ClinVar:

NM_004260.4(RECQL4):c.1869C>T (p.Arg623=)

Gene: RECQL4 (RecQ like helicase 4; minus strand). Cytogenetic location: 8q24.3.
Variant type: single nucleotide variant.
Coding change: c.1869C>T on transcript NM_004260.4 (MANE Select); coding-DNA position 1869, C replaced by T.
Protein change: p.Arg623=; no amino-acid change (arginine 623 retained).
Molecular consequence: synonymous variant.
Genome position (GRCh38, 1-based): chr8:144,514,198, G>A on the plus strand (C>T on the coding strand, the complement: RECQL4 is on the minus strand). VCF-style: chr8-144514198-G-A. GRCh37 (hg19) VCF-style: chr8-145739582-G-A.
Identifiers: ClinVar variation 529053 (VCV000529053.36), dbSNP rs368736533, ClinGen allele CA4948628.
Genomic context (GRCh38, chr8:144,514,198, plus strand): 5'-GCCCAGCCCATCCCGGCCCTGGCCGCCCACCCCAGTTCACATATGGCTCACCTTGCAGAC[G>A]CGCAGGTAGCAGGGCCGGAAGTTGTGGGACCACTGGGAGAGGCAGTGGGCCTCATCAATG-3'
Protein context (NP_004251.4, residues 613-633): WSHNFRPCYL[Arg623=]VCKVLRERMG

ClinVar aggregate classification (germline): Likely benign. Review status: criteria provided, multiple submitters, no conflicts (2 of 4 stars). 4 submissions from 4 submitters: Likely benign (4). Last evaluated 2026-01-24.

Conditions:
Baller-Gerold syndrome (BGS). Also called: CRANIOSYNOSTOSIS WITH RADIAL DEFECTS. Identifiers: Orphanet 1225, MedGen C0265308, MONDO:0009039, OMIM 218600.
Inborn genetic diseases. Identifiers: MedGen C0950123, MeSH D030342.

Allele frequency attached by ClinVar (database versions not stated): gnomAD 0.00006; TOPMed 0.00018; ESP Exome Variant Server 0.00024.
gnomAD v4.1: 144 of 1,612,124 alleles (0.0089%); highest among the groups gnomAD compares: Non-Finnish European, 0.011%; no homozygotes.

Submissions (4):

Labcorp Genetics (formerly Invitae), Labcorp
Classification: Likely benign for Baller-Gerold syndrome. Last evaluated: 2026-01-24. Review status: criteria provided, single submitter. Criteria: Invitae Variant Classification Sherloc (09022015). Collection method: clinical testing. Allele origin: germline.

Ambry Genetics
Classification: Likely benign for Inborn genetic diseases. Last evaluated: 2024-11-26. Review status: criteria provided, single submitter. Criteria: Ambry Variant Classification Scheme 2023. Collection method: clinical testing. Allele origin: germline.

Blueprint Genetics
Classification: Likely benign. Last evaluated: 2024-09-04. Review status: criteria provided, single submitter. Criteria: ACMG Guidelines, 2015. Collection method: clinical testing. Allele origin: germline.

CeGaT Center for Human Genetics Tuebingen
Classification: Likely benign. Last evaluated: 2023-04-01. Review status: criteria provided, single submitter. Criteria: CeGaT Center For Human Genetics Tuebingen Variant Classification Criteria Version 2. Collection method: clinical testing. Allele origin: germline. Affected: yes. Observed: 1 variant allele.
Comment: RECQL4: BP4, BP7